The following is an entry in ClinVar:

NM_000051.4(ATM):c.2249A>C (p.Lys750Thr)

Gene: ATM (ATM serine/threonine kinase; plus strand). Cytogenetic location: 11q22.3.
Variant type: single nucleotide variant.
Coding change: c.2249A>C on transcript NM_000051.4 (MANE Select); coding-DNA position 2249, A replaced by C.
Protein change: p.Lys750Thr; replaces lysine 750 with threonine.
Molecular consequence: missense variant.
Genome position (GRCh38, 1-based): chr11:108,256,339, A>C. VCF-style: chr11-108256339-A-C. GRCh37 (hg19) VCF-style: chr11-108127066-A-C.
Other names: c.2249A>C, p.Lys750Thr (NM_001351834.2); short protein forms K750T.
Identifiers: ClinVar variation 407469 (VCV000407469.14), dbSNP rs1060501540, ClinGen allele CA16613086.

ClinVar aggregate classification (germline): Uncertain significance. Review status: criteria provided, multiple submitters, no conflicts (2 of 4 stars). 2 submissions from 2 submitters: Uncertain significance (2). Last evaluated 2025-10-11.

Conditions:
Ataxia-telangiectasia syndrome (AT). Also called: Ataxia telangiectasia (A-T); LOUIS-BAR SYNDROME; Cerebello-oculocutaneous telangiectasia; Immunodeficiency with ataxia telangiectasia; Ataxia-telangiectasia, complementation group D; AT, COMPLEMENTATION GROUP C. Identifiers: Orphanet 100, MedGen C0004135, MONDO:0008840, OMIM 208900.
Hereditary cancer-predisposing syndrome. Also called: Hereditary neoplastic syndrome; Neoplastic Syndromes, Hereditary; Tumor predisposition; Hereditary Cancer Syndrome. Identifiers: Orphanet 140162, MedGen C0027672, MeSH D009386, MONDO:0015356.

Allele frequency attached by ClinVar (database versions not stated): TOPMed below 0.00001; gnomAD 0.00001.
gnomAD v4.1: 1 of 1,608,958 alleles (0.000062%); highest among the groups gnomAD compares: African/African-American, 0.0013%; no homozygotes.

Submissions (2):

Labcorp Genetics (formerly Invitae), Labcorp
Classification: Uncertain significance for Ataxia-telangiectasia syndrome. Last evaluated: 2025-10-11. Review status: criteria provided, single submitter. Criteria: Invitae Variant Classification Sherloc (09022015). Collection method: clinical testing. Allele origin: germline.
Comment: This sequence change replaces lysine, which is basic and polar, with threonine, which is neutral and polar, at codon 750 of the ATM protein (p.Lys750Thr). This variant is not present in population databases (gnomAD no frequency). This variant has not been reported in the literature in individuals affected with ATM-related conditions. ClinVar contains an entry for this variant (Variation ID: 407469). An algorithm developed to predict the effect of missense changes on protein structure and function (PolyPhen-2) suggests that this variant is likely to be disruptive. In summary, the available evidence is currently insufficient to determine the role of this variant in disease. Therefore, it has been classified as a Variant of Uncertain Significance.

Ambry Genetics
Classification: Uncertain significance for Hereditary cancer-predisposing syndrome. Last evaluated: 2024-10-14. Review status: criteria provided, single submitter. Criteria: Ambry Variant Classification Scheme 2023. Collection method: clinical testing. Allele origin: germline.
Comment: The p.K750T variant (also known as c.2249A>C), located in coding exon 13 of the ATM gene, results from an A to C substitution at nucleotide position 2249. The lysine at codon 750 is replaced by threonine, an amino acid with similar properties. This amino acid position is highly conserved in available vertebrate species. In addition, the in silico prediction for this alteration is inconclusive. Based on the available evidence, the clinical significance of this variant remains unclear.